The following is an entry in ClinVar:

NM_032043.3(BRIP1):c.2858C>A (p.Thr953Asn)

Gene: BRIP1 (BRCA1 interacting DNA helicase 1; minus strand). Cytogenetic location: 17q23.2.
Variant type: single nucleotide variant.
Coding change: c.2858C>A on transcript NM_032043.3 (MANE Select); coding-DNA position 2858, C replaced by A.
Protein change: p.Thr953Asn; replaces threonine 953 with asparagine.
Molecular consequence: missense variant.
Genome position (GRCh38, 1-based): chr17:61,685,883, G>T on the plus strand (C>A on the coding strand, the complement: BRIP1 is on the minus strand). VCF-style: chr17-61685883-G-T. GRCh37 (hg19) VCF-style: chr17-59763244-G-T.
Other names: short protein forms T953N.
Identifiers: ClinVar variation 2952255 (VCV002952255.3), dbSNP rs201672040, ClinGen allele CA400481286.
Genomic context (GRCh38, chr17:61,685,883, plus strand): 5'-GAACTTTTCATACTTTTCTCCTTTCTGGAGATAATGCTACTTGGTAGAGGTGAATTTTTG[G>T]TAATAATTTTAGGACACTGTAGTTCCTGGACACATATCTTTGCTTCATCTTCCACAAAAT-3'
Protein context (NP_114432.2, residues 943-963): VQELQCPKII[Thr953Asn]KNSPLPSSII

ClinVar aggregate classification (germline): Uncertain significance (1 of 4 stars; one submission).

Conditions:
Familial cancer of breast. Also called: BREAST CANCER, FAMILIAL; hereditary breast carcinoma; Hereditary breast cancer. Identifiers: Orphanet 227535, MedGen C0346153, MONDO:0016419, OMIM 114480. Disease mechanism: loss of function.
Fanconi anemia complementation group J. Also called: BRIP1-Related Fanconi Anemia. Identifiers: Orphanet 84, MedGen C1836860, MONDO:0012187, OMIM 609054.

Submission:

Labcorp Genetics (formerly Invitae), Labcorp
Classification: Uncertain significance for Familial cancer of breast; Fanconi anemia complementation group J. Last evaluated: 2023-09-25. Review status: criteria provided, single submitter. Criteria: Invitae Variant Classification Sherloc (09022015). Collection method: clinical testing. Allele origin: germline.
Comment: This sequence change replaces threonine, which is neutral and polar, with asparagine, which is neutral and polar, at codon 953 of the BRIP1 protein (p.Thr953Asn). This variant is not present in population databases (gnomAD no frequency). This variant has not been reported in the literature in individuals affected with BRIP1-related conditions. Advanced modeling of protein sequence and biophysical properties (such as structural, functional, and spatial information, amino acid conservation, physicochemical variation, residue mobility, and thermodynamic stability) performed at Invitae indicates that this missense variant is not expected to disrupt BRIP1 protein function. In summary, the available evidence is currently insufficient to determine the role of this variant in disease. Therefore, it has been classified as a Variant of Uncertain Significance.